The following is an entry in ClinVar:

NM_000059.4(BRCA2):c.5590G>T (p.Asp1864Tyr)

Gene: BRCA2 (BRCA2 DNA repair associated; plus strand). Cytogenetic location: 13q13.1.
Variant type: single nucleotide variant.
Coding change: c.5590G>T on transcript NM_000059.4 (MANE Select); coding-DNA position 5590, G replaced by T.
Protein change: p.Asp1864Tyr; replaces aspartic acid 1864 with tyrosine.
Molecular consequence: missense variant. On other transcripts: non-coding transcript variant (1), intron variant (2).
Genome position (GRCh38, 1-based): chr13:32,339,945, G>T. VCF-style: chr13-32339945-G-T. GRCh37 (hg19) VCF-style: chr13-32914082-G-T.
Other names: c.5590G>T, p.Asp1864Tyr (NM_001406719.1, NM_001406720.1); c.1910-4613G>T (NM_001406721.1); c.425-4613G>T (NM_001406722.1); short protein forms D1864Y.
Identifiers: ClinVar variation 2752462 (VCV002752462.3), dbSNP rs587781536, ClinGen allele CA387786039.

ClinVar aggregate classification (germline): Uncertain significance (1 of 4 stars; one submission).

Conditions:
Hereditary breast ovarian cancer syndrome. Also called: Hereditary breast and ovarian cancer; Hereditary breast and ovarian cancer syndrome; Breast and ovarian cancer; BRCA1- and BRCA2-Associated Hereditary Breast and Ovarian Cancer; Hereditary breast and ovarian cancer syndrome (HBOC); Hereditary breast and/or ovarian cancer syndrome. Identifiers: Orphanet 145, MedGen C0677776, MeSH D061325, MONDO:0003582. Disease mechanism: loss of function.

Submission:

Labcorp Genetics (formerly Invitae), Labcorp
Classification: Uncertain significance for Hereditary breast ovarian cancer syndrome. Last evaluated: 2023-08-14. Review status: criteria provided, single submitter. Criteria: Invitae Variant Classification Sherloc (09022015). Collection method: clinical testing. Allele origin: germline.
Comment: In summary, the available evidence is currently insufficient to determine the role of this variant in disease. Therefore, it has been classified as a Variant of Uncertain Significance. Advanced modeling of protein sequence and biophysical properties (such as structural, functional, and spatial information, amino acid conservation, physicochemical variation, residue mobility, and thermodynamic stability) performed at Invitae indicates that this missense variant is not expected to disrupt BRCA2 protein function. This variant has not been reported in the literature in individuals affected with BRCA2-related conditions. This variant is not present in population databases (gnomAD no frequency). This sequence change replaces aspartic acid, which is acidic and polar, with tyrosine, which is neutral and polar, at codon 1864 of the BRCA2 protein (p.Asp1864Tyr).